The following is an entry in ClinVar:

ClinVar aggregate classification (germline): Conflicting classifications of pathogenicity. Review status: criteria provided, conflicting classifications (1 of 4 stars). 2 submissions from 2 submitters: Likely pathogenic (1); Uncertain significance (1). Last evaluated 2022-08-30.

Conditions:
Hereditary cancer-predisposing syndrome. Also called: Hereditary Cancer Syndrome; Hereditary neoplastic syndrome; Neoplastic Syndromes, Hereditary; Tumor predisposition. Identifiers: Orphanet 140162, MedGen C0027672, MeSH D009386, MONDO:0015356.
Bloom syndrome (BLM). Also called: Bloom-Torre-Machacek syndrome. Identifiers: Orphanet 125, MedGen C0005859, MONDO:0008876, OMIM 210900.

Submissions (2):

Ambry Genetics
Classification: Uncertain significance for Hereditary cancer-predisposing syndrome. Last evaluated: 2022-08-30. Review status: criteria provided, single submitter. Criteria: Ambry Variant Classification Scheme 2023. Collection method: clinical testing. Allele origin: germline.
Comment: The c.3875-1G>A intronic variant results from a G to A substitution one nucleotide upstream from coding exon 20 of the BLM gene. This nucleotide position is highly conserved in available vertebrate species. Alterations that disrupt the canonical splice site are expected to result in aberrant splicing. In silico splice site analysis predicts that this alteration will weaken the native splice acceptor site and will result in the creation or strengthening of a novel splice acceptor site. The resulting transcript is predicted to be in-frame and is not expected to trigger nonsense-mediated mRNAdecay; however, direct evidence is unavailable. The exact functional effect of the altered amino acid sequence is unknown. Since supporting evidence is limited at this time, the clinical significance of this alteration remains unclear.

Labcorp Genetics (formerly Invitae), Labcorp
Classification: Likely pathogenic for Bloom syndrome. Last evaluated: 2020-10-15. Review status: criteria provided, single submitter. Criteria: Invitae Variant Classification Sherloc (09022015). Collection method: clinical testing. Allele origin: germline.
Comment: This variant is not present in population databases (ExAC no frequency). In summary, the currently available evidence indicates that the variant is pathogenic, but additional data are needed to prove that conclusively. Therefore, this variant has been classified as Likely Pathogenic. Donor and acceptor splice site variants typically lead to a loss of protein function (PMID: 16199547), and loss-of-function variants in BLM are known to be pathogenic (PMID: 17407155). Algorithms developed to predict the effect of sequence changes on RNA splicing suggest that this variant may disrupt the consensus splice site, but this prediction has not been confirmed by published transcriptional studies. This variant has not been reported in the literature in individuals with BLM-related conditions. This sequence change affects an acceptor splice site in intron 20 of the BLM gene. It is expected to disrupt RNA splicing and likely results in an absent or disrupted protein product.

Literature cited by the submitters: PubMed 16199547 (cited by Labcorp Genetics (formerly Invitae), Labcorp); PubMed 17407155 (cited by Labcorp Genetics (formerly Invitae), Labcorp).

NM_000057.4(BLM):c.3875-1G>A

Gene: BLM (BLM RecQ like helicase; plus strand). Cytogenetic location: 15q26.1.
Variant type: single nucleotide variant.
Coding change: c.3875-1G>A on transcript NM_000057.4 (MANE Select); the canonical splice acceptor site of the intron before coding-DNA position 3875, G replaced by A.
Molecular consequence: splice acceptor variant.
Genome position (GRCh38, 1-based): chr15:90,811,204, G>A. VCF-style: chr15-90811204-G-A. GRCh37 (hg19) VCF-style: chr15-91354434-G-A.
Other names: c.3875-1G>A (NM_001287246.2); c.2750-1G>A (NM_001287248.2); c.3482-1G>A (NM_001287247.2).
Identifiers: ClinVar variation 1066169 (VCV001066169.9), dbSNP rs2151199690, ClinGen allele CA393850330.